The following is an entry in ClinVar:

ClinVar aggregate classification (germline): Uncertain significance (1 of 4 stars; one submission).

Submission:

GeneDx
Classification: Uncertain significance. Last evaluated: 2025-06-01. Review status: criteria provided, single submitter. Criteria: GeneDx Variant Classification Process June 2021. Collection method: clinical testing. Allele origin: germline. Affected: yes.
Comment: Not observed at significant frequency in large population cohorts (gnomAD); In silico analysis supports that this missense variant has a deleterious effect on protein structure/function; Has not been previously published as pathogenic or benign to our knowledge

NM_006922.4(SCN3A):c.2276A>G (p.Asp759Gly)

Gene: SCN3A (sodium voltage-gated channel alpha subunit 3; minus strand). Cytogenetic location: 2q24.3.
Variant type: single nucleotide variant.
Coding change: c.2276A>G on transcript NM_006922.4 (MANE Select); coding-DNA position 2276, A replaced by G.
Protein change: p.Asp759Gly; replaces aspartic acid 759 with glycine.
Molecular consequence: missense variant.
Genome position (GRCh38, 1-based): chr2:165,137,994, T>C on the plus strand (A>G on the coding strand, the complement: SCN3A is on the minus strand). VCF-style: chr2-165137994-T-C. GRCh37 (hg19) VCF-style: chr2-165994504-T-C.
Other names: c.2129A>G, p.Asp710Gly (NM_001081676.2, NM_001081677.2); short protein forms D710G, D759G.
Identifiers: ClinVar variation 4532500 (VCV004532500.1).